The following is an entry in ClinVar:

NM_004523.4(KIF11):c.2153A>T (p.His718Leu)

Gene: KIF11 (kinesin family member 11; plus strand). Cytogenetic location: 10q23.33.
Variant type: single nucleotide variant.
Coding change: c.2153A>T on transcript NM_004523.4 (MANE Select); coding-DNA position 2153, A replaced by T.
Protein change: p.His718Leu; replaces histidine 718 with leucine.
Molecular consequence: missense variant.
Genome position (GRCh38, 1-based): chr10:92,637,538, A>T. VCF-style: chr10-92637538-A-T. GRCh37 (hg19) VCF-style: chr10-94397295-A-T.
Other names: short protein forms H718L.
Identifiers: ClinVar variation 259409 (VCV000259409.43), dbSNP rs116942055, ClinGen allele CA5604337.

ClinVar aggregate classification (germline): Benign. Review status: criteria provided, multiple submitters, no conflicts (2 of 4 stars). 8 submissions from 8 submitters: Benign (7). 1 of the submissions does not count toward it. Last evaluated 2026-01-24.

Conditions:
Microcephaly with or without chorioretinopathy, lymphedema, or impaired intellectual development. Also called: MICROCEPHALY AND CHORIORETINOPATHY WITH OR WITHOUT MENTAL RETARDATION, AUTOSOMAL DOMINANT; Microcephaly with or without chorioretinopathy, lymphedema, or intellectual disability; MICROCEPHALY, LYMPHEDEMA, CHORIORETINAL DYSPLASIA SYNDROME; Microcephaly with or without chorioretinopathy, lymphedema, or mental retardation; Microcephaly lymphedema chorioretinal dysplasia. Identifiers: Orphanet 2526, MedGen C1835265, MONDO:0007918, OMIM 152950.

Allele frequency attached by ClinVar (database versions not stated): gnomAD exomes 0.00069 and 0.00254; gnomAD 0.00082 and 0.00124; TOPMed 0.00142; ExAC 0.00220; 1000 Genomes Project 30x 0.00765; 1000 Genomes Project 0.00779.
gnomAD v4.1: 1,318 of 1,599,684 alleles (0.082%); highest among the groups gnomAD compares: East Asian, 2.4%; 27 homozygotes.

Submissions (8):

Labcorp Genetics (formerly Invitae), Labcorp
Classification: Benign. Last evaluated: 2026-01-24. Review status: criteria provided, single submitter. Criteria: Invitae Variant Classification Sherloc (09022015). Collection method: clinical testing. Allele origin: germline.

CeGaT Center for Human Genetics Tuebingen
Classification: Benign. Last evaluated: 2025-10-01. Review status: criteria provided, single submitter. Criteria: CeGaT Center For Human Genetics Tuebingen Variant Classification Criteria Version 2. Collection method: clinical testing. Allele origin: germline. Affected: yes. Observed: 3 variant alleles.
Comment: KIF11: BP4, BS1, BS2

Fulgent Genetics
Classification: Benign for Microcephaly with or without chorioretinopathy, lymphedema, or impaired intellectual development. Last evaluated: 2021-08-16. Review status: criteria provided, single submitter. Criteria: ACMG Guidelines, 2015. Collection method: clinical testing. Allele origin: unknown.

GeneDx
Classification: Benign. Last evaluated: 2020-09-15. Review status: criteria provided, single submitter. Criteria: GeneDx Variant Classification Process June 2021. Collection method: clinical testing. Allele origin: germline. Affected: yes.

Clinical Genetics DNA and cytogenetics Diagnostics Lab, Erasmus MC, Erasmus Medical Center
Classification: Benign for Microcephaly with or without chorioretinopathy, lymphedema, or impaired intellectual development. Last evaluated: 2017-10-12. Review status: criteria provided, single submitter. Criteria: ACGS Guidelines, 2013. Collection method: clinical testing. Allele origin: germline. Affected: yes. Study: VKGL Data-share Consensus.

Breakthrough Genomics
Classification: Benign. Review status: criteria provided, single submitter. Criteria: ACMG Guidelines, 2015. Collection method: not provided. Allele origin: germline. Inheritance: Autosomal dominant inheritance. Affected: yes.

PreventionGenetics, part of Exact Sciences
Classification: Benign. Review status: criteria provided, single submitter. Criteria: ACMG Guidelines, 2015. Collection method: clinical testing. Allele origin: germline.

Clinical Genetics, Academic Medical Center
Classification: Benign. Review status: no assertion criteria provided. Collection method: clinical testing. Allele origin: germline. Affected: yes. Study: VKGL Data-share Consensus. Not counted in ClinVar's aggregate classification.